The following is an entry in ClinVar:

ClinVar aggregate classification (germline): Likely pathogenic (1 of 4 stars; one submission).

Conditions:
Bartter disease type 4B. Also called: BARTTER SYNDROME, TYPE 4B, NEONATAL, WITH SENSORINEURAL DEAFNESS; Bartter syndrome, type 4b, digenic; BARTTER SYNDROME, TYPE 4B. Identifiers: Orphanet 112, MedGen C4310805, MONDO:0000909, OMIM 613090.
Bartter disease type 3. Also called: Bartter syndrome type 3. Identifiers: Orphanet 112, Orphanet 93605, MedGen C1846343, MONDO:0011822, OMIM 607364.

gnomAD v4.1: 1 of 1,613,876 alleles (0.000062%); highest among the groups gnomAD compares: African/African-American, 0.0013%; no homozygotes.

Submission:

Juno Genomics, Hangzhou Juno Genomics, Inc
Classification: Likely pathogenic for Bartter disease type 3; Bartter disease type 4B. Review status: criteria provided, single submitter. Criteria: ACMG Guidelines, 2015. Collection method: clinical testing. Allele origin: germline.
Comment: Absent from controls (or at extremely low frequency if recessive) in Genome Aggregation Database.;Null variant in a gene where loss of function (LOF) is a known mechanism of disease.

NM_000085.5(CLCNKB):c.1623-2A>G

Genes: CLCNKB (chloride voltage-gated channel Kb; plus strand), LOC106501713 (CLCNKB recombination region; plus strand). Cytogenetic location: 1p36.13.
Variant type: single nucleotide variant.
Coding change: c.1623-2A>G on transcript NM_000085.5 (MANE Select); the canonical splice acceptor site of the intron before coding-DNA position 1623, A replaced by G.
Molecular consequence: splice acceptor variant.
Genome position (GRCh38, 1-based): chr1:16,053,637, A>G. VCF-style: chr1-16053637-A-G. GRCh37 (hg19) VCF-style: chr1-16380132-A-G.
Other names: c.1116-2A>G (NM_001165945.2).
Identifiers: ClinVar variation 5019442 (VCV005019442.2).